The following is an entry in ClinVar:

NM_024753.5(TTC21B):c.1346T>G (p.Leu449Ter)

Gene: TTC21B (tetratricopeptide repeat domain 21B; minus strand). Cytogenetic location: 2q24.3.
Variant type: single nucleotide variant.
Coding change: c.1346T>G on transcript NM_024753.5 (MANE Select); coding-DNA position 1346, T replaced by G.
Protein change: p.Leu449Ter; replaces leucine 449 with a stop codon.
Molecular consequence: nonsense.
Genome position (GRCh38, 1-based): chr2:165,929,175, A>C on the plus strand (T>G on the coding strand, the complement: TTC21B is on the minus strand). VCF-style: chr2-165929175-A-C. GRCh37 (hg19) VCF-style: chr2-166785685-A-C.
Other names: short protein forms L449*.
Identifiers: ClinVar variation 1456585 (VCV001456585.6), dbSNP rs769816345, ClinGen allele CA349064345.

ClinVar aggregate classification (germline): Pathogenic (1 of 4 stars; one submission).

Conditions:
Jeune thoracic dystrophy. Also called: Jeune syndrome; Infantile thoracic dystrophy; Thoracic pelvic phalangeal dystrophy; Jeune's syndrome; Chondroectodermal dysplasia-like syndrome; Short-rib thoracic dysplasia. Identifiers: Orphanet 474, MedGen C0265275, MONDO:0018770.
Nephronophthisis. Also called: Juvenile Nephronophthisis. Identifiers: Orphanet 655, MedGen C0687120, MONDO:0019005, HP:0000090.

Submission:

Labcorp Genetics (formerly Invitae), Labcorp
Classification: Pathogenic for Jeune thoracic dystrophy; Nephronophthisis. Last evaluated: 2025-03-03. Review status: criteria provided, single submitter. Criteria: Invitae Variant Classification Sherloc (09022015). Collection method: clinical testing. Allele origin: germline.
Comment: This sequence change creates a premature translational stop signal (p.Leu449*) in the TTC21B gene. It is expected to result in an absent or disrupted protein product. Loss-of-function variants in TTC21B are known to be pathogenic (PMID: 18327258, 21068128, 21258341, 23559409, 24876116, 25492405, 27491411, 29068549). This variant is not present in population databases (gnomAD no frequency). This variant has not been reported in the literature in individuals affected with TTC21B-related conditions. ClinVar contains an entry for this variant (Variation ID: 1456585). For these reasons, this variant has been classified as Pathogenic.

Literature cited by the submitters: PubMed 18327258; PubMed 21068128; PubMed 21258341; PubMed 23559409; PubMed 24876116; PubMed 25492405; PubMed 27491411; PubMed 29068549.